The following is an entry in ClinVar:

ClinVar aggregate classification (germline): Pathogenic (1 of 4 stars; one submission).

Conditions:
Familial adenomatous polyposis 1 (FAP1). Also called: POLYPOSIS, ADENOMATOUS INTESTINAL; FAMILIAL ADENOMATOUS POLYPOSIS 1, ATTENUATED. Identifiers: MedGen C2713442, MONDO:0021056, OMIM 175100. Disease mechanism: loss of function.

Submission:

Labcorp Genetics (formerly Invitae), Labcorp
Classification: Pathogenic for Familial adenomatous polyposis 1. Last evaluated: 2021-10-11. Review status: criteria provided, single submitter. Criteria: Invitae Variant Classification Sherloc (09022015). Collection method: clinical testing. Allele origin: germline.
Comment: For these reasons, this variant has been classified as Pathogenic. A different truncation (p.Tyr2645Lysfs*14) that lies downstream of this variant has been determined to be pathogenic (PMID: 9824584, 1316610, 27081525, 8381579, 22135120, Invitae). This suggests that deletion of this region of the APC protein is causative of disease. This variant is expected to disrupt the EB1 and HDLG binding sites, which mediate interactions with the cytoskeleton (PMID: 15311282, 17293347). While functional studies have not been performed to directly test the effect on APC protein function, this suggests that disruption of the C-terminal portion of the protein is functionally important. This variant has not been reported in the literature in individuals affected with APC-related conditions. This variant is not present in population databases (ExAC no frequency). This sequence change creates a premature translational stop signal (p.Tyr1642Leufs*3) in the APC gene. While this is not anticipated to result in nonsense mediated decay, it is expected to disrupt the last 1202 amino acid(s) of the APC protein.

Literature cited by the submitters: PubMed 9824584; PubMed 1316610; PubMed 27081525; PubMed 8381579; PubMed 22135120; PubMed 15311282; PubMed 17293347.

NM_000038.6(APC):c.4925_4926del (p.Tyr1642fs)

Gene: APC (APC regulator of Wnt signaling pathway; plus strand). Cytogenetic location: 5q22.2.
Variant type: Deletion.
Coding change: c.4925_4926del on transcript NM_000038.6 (MANE Select); coding-DNA positions 4925 to 4926, 2 bases deleted (AT; older notation c.4925_4926delAT).
Protein change: p.Tyr1642fs; shifts the reading frame from tyrosine 1642.
Molecular consequence: frameshift variant.
Genome position (GRCh38, 1-based): chr5:112,840,519-112,840,520, AT deleted; deleting any 2 consecutive bases within chr5:112,840,518-112,840,520 gives the same sequence; the c. name uses the placement nearest the transcript's 3' end. VCF-style (leftmost placement, unchanged base first): chr5-112840517-GTA-G. GRCh37 (hg19) VCF-style: chr5-112176214-GTA-G.
Other names: c.4925_4926del, p.Tyr1642fs (NM_001127510.3, NM_001354895.2); c.4871_4872del, p.Tyr1624fs (NM_001127511.3); c.4979_4980del, p.Tyr1660fs (NM_001354896.2); c.4955_4956del, p.Tyr1652fs (NM_001354897.2); c.4850_4851del, p.Tyr1617fs (NM_001354898.2); c.4841_4842del, p.Tyr1614fs (NM_001354899.2); c.4802_4803del, p.Tyr1601fs (NM_001354900.2); c.4748_4749del, p.Tyr1583fs (NM_001354901.2); and 5 more; short protein forms Y1516fs, Y1541fs, Y1583fs, Y1642fs, Y1652fs, Y1617fs, Y1359fs, Y1482fs.
Identifiers: ClinVar variation 1428588 (VCV001428588.6), dbSNP rs2149927550, ClinGen allele CA2573138713.
Genomic context (GRCh38, chr5:112,840,517, plus strand): 5'-AAACAGGTTGCAACCCCAAAAGCATGTTAGTTTTACACCGGGGGATGATATGCCACGGGT[GTA>G]TTGTGTTGAAGGGACACCTATAAACTTTTCCACAGCTACATCTCTAAGTGATCTAACAAT-3'